The following is an entry in ClinVar:

NM_001283009.2(RTEL1):c.1761G>A (p.Pro587=)

Genes: RTEL1 (regulator of telomere elongation helicase 1; plus strand), RTEL1-TNFRSF6B (RTEL1-TNFRSF6B readthrough (NMD candidate); plus strand). Cytogenetic location: 20q13.33.
Variant type: single nucleotide variant.
Coding change: c.1761G>A on transcript NM_001283009.2 (MANE Select); coding-DNA position 1761, G replaced by A.
Protein change: p.Pro587=; no amino-acid change (proline 587 retained).
Molecular consequence: synonymous variant. On other transcripts: non-coding transcript variant (1).
Genome position (GRCh38, 1-based): chr20:63,688,566, G>A. VCF-style: chr20-63688566-G-A. GRCh37 (hg19) VCF-style: chr20-62319919-G-A.
Other names: p.Pro611=; c.1092G>A, p.Pro364= (NM_001283010.1); c.1761G>A, p.Pro587= (NM_016434.4); c.1833G>A, p.Pro611= (NM_032957.5).
Identifiers: ClinVar variation 436567 (VCV000436567.55), dbSNP rs116900568, ClinGen allele CA9964970.

ClinVar aggregate classification (germline): Benign/Likely benign. Review status: criteria provided, multiple submitters, no conflicts (2 of 4 stars). 14 submissions from 13 submitters: Benign (8); Likely benign (2). 4 of the submissions do not count toward it. Last evaluated 2026-07-01.

Conditions:
Dyskeratosis congenita, autosomal recessive 5 (DKCB5). Identifiers: MedGen C3554656, MONDO:0014076, OMIM 615190.
Dyskeratosis congenita. Identifiers: Orphanet 1775, MedGen C0265965, MONDO:0015780.
Pulmonary fibrosis and/or bone marrow failure, Telomere-related, 3. Also called: PULMONARY FIBROSIS AND/OR BONE MARROW FAILURE SYNDROME, TELOMERE-RELATED, 3. Identifiers: Orphanet 2032, MedGen C4225346, MONDO:0014613, OMIM 616373.
Inborn genetic diseases. Identifiers: MedGen C0950123, MeSH D030342.

Allele frequency attached by ClinVar (database versions not stated): 1000 Genomes Project 30x 0.00172; 1000 Genomes Project 0.00180; TOPMed 0.00309; gnomAD 0.00329 and 0.00332; ESP Exome Variant Server 0.00340; gnomAD exomes 0.00350 and 0.00367; ExAC 0.00410.
gnomAD v4.1: 5,690 of 1,610,322 alleles (0.35%); highest among the groups gnomAD compares: Middle Eastern, 2.1%; 31 homozygotes.

Submissions (14):

CeGaT Center for Human Genetics Tuebingen
Classification: Likely benign. Last evaluated: 2026-07-01. Review status: criteria provided, single submitter. Criteria: CeGaT Center For Human Genetics Tuebingen Variant Classification Criteria Version 2. Collection method: clinical testing. Allele origin: germline. Affected: yes. Observed: 11 variant alleles.
Comment: RTEL1: BP4, BP7, BS2

Labcorp Genetics (formerly Invitae), Labcorp
Classification: Benign for Dyskeratosis congenita, autosomal recessive 5; Pulmonary fibrosis and/or bone marrow failure, Telomere-related, 3. Last evaluated: 2026-02-02. Review status: criteria provided, single submitter. Criteria: Invitae Variant Classification Sherloc (09022015). Collection method: clinical testing. Allele origin: germline.

ARUP Laboratories, Molecular Genetics and Genomics, ARUP Laboratories
Classification: Benign. Last evaluated: 2025-05-05. Review status: criteria provided, single submitter. Criteria: ARUP Molecular Germline Variant Investigation Process 2024. Collection method: clinical testing. Allele origin: germline.

Mayo Clinic Laboratories, Mayo Clinic
Classification: Benign. Last evaluated: 2024-10-15. Review status: criteria provided, single submitter. Criteria: ACMG Guidelines, 2015. Collection method: clinical testing. Allele origin: germline. Observed: 10 variant alleles.
Comment: BS1, BS2, BP4, BP7

Ambry Genetics
Classification: Likely benign for Inborn genetic diseases. Last evaluated: 2022-03-12. Review status: criteria provided, single submitter. Criteria: Ambry Variant Classification Scheme 2023. Collection method: clinical testing. Allele origin: germline.

Genome-Nilou Lab
Classification: Benign for Dyskeratosis congenita, autosomal recessive 5. Last evaluated: 2021-07-10. Review status: criteria provided, single submitter. Criteria: ACMG Guidelines, 2015. Collection method: clinical testing. Allele origin: germline. Affected: no.

Genome-Nilou Lab
Classification: Benign for Pulmonary fibrosis and/or bone marrow failure, Telomere-related, 3. Last evaluated: 2021-07-10. Review status: criteria provided, single submitter. Criteria: ACMG Guidelines, 2015. Collection method: clinical testing. Allele origin: germline. Affected: no.

GeneDx
Classification: Benign. Last evaluated: 2020-01-06. Review status: criteria provided, single submitter. Criteria: GeneDx Variant Classification Process June 2021. Collection method: clinical testing. Allele origin: germline. Affected: yes.

Genetic Services Laboratory, University of Chicago
Classification: Benign. Last evaluated: 2016-09-23. Review status: criteria provided, single submitter. Criteria: ACMG Guidelines, 2015. Collection method: clinical testing. Allele origin: germline. Affected: no.

Breakthrough Genomics
Classification: Benign. Review status: criteria provided, single submitter. Criteria: ACMG Guidelines, 2015. Collection method: not provided. Allele origin: germline. Inheritance: Autosomal recessive inheritance. Affected: yes.

Natera, Inc.
Classification: Likely benign for Dyskeratosis congenita. Last evaluated: 2019-12-19. Review status: no assertion criteria provided. Collection method: clinical testing. Allele origin: germline. Not counted in ClinVar's aggregate classification.

Clinical Genetics DNA and cytogenetics Diagnostics Lab, Erasmus MC, Erasmus Medical Center
Classification: Likely benign. Review status: no assertion criteria provided. Collection method: clinical testing. Allele origin: germline. Affected: yes. Study: VKGL Data-share Consensus. Not counted in ClinVar's aggregate classification.

Genome Diagnostics Laboratory, University Medical Center Utrecht
Classification: Likely benign. Review status: no assertion criteria provided. Collection method: clinical testing. Allele origin: germline. Affected: yes. Study: VKGL Data-share Consensus. Not counted in ClinVar's aggregate classification.

Laboratory of Diagnostic Genome Analysis, Leiden University Medical Center (LUMC)
Classification: Benign. Review status: no assertion criteria provided. Collection method: clinical testing. Allele origin: germline. Affected: yes. Study: VKGL Data-share Consensus. Not counted in ClinVar's aggregate classification.